The following is an entry in ClinVar:

ClinVar aggregate classification (germline): Conflicting classifications of pathogenicity. Review status: criteria provided, conflicting classifications (1 of 4 stars). 5 submissions from 5 submitters: Uncertain significance (4); Likely benign (1). Last evaluated 2026-01-27.

Conditions:
Hereditary cancer-predisposing syndrome. Also called: Hereditary neoplastic syndrome; Hereditary Cancer Syndrome; Neoplastic Syndromes, Hereditary; Tumor predisposition. Identifiers: Orphanet 140162, MedGen C0027672, MeSH D009386, MONDO:0015356.
Oligodontia-cancer predisposition syndrome. Also called: TOOTH AGENESIS-COLORECTAL CANCER SYNDROME. Identifiers: Orphanet 300576, MedGen C1837750, MONDO:0012075, OMIM 608615. Disease mechanism: loss of function.

Allele frequency attached by ClinVar (database versions not stated): ExAC 0.00005; gnomAD 0.00005 and 0.00006; gnomAD exomes 0.00005 and 0.00020; TOPMed 0.00007; ESP Exome Variant Server 0.00015.

Submissions (5):

Labcorp Genetics (formerly Invitae), Labcorp
Classification: Uncertain significance for Oligodontia-cancer predisposition syndrome. Last evaluated: 2026-01-27. Review status: criteria provided, single submitter. Criteria: Invitae Variant Classification Sherloc (09022015). Collection method: clinical testing. Allele origin: germline.
Comment: This sequence change replaces glutamine, which is neutral and polar, with arginine, which is basic and polar, at codon 188 of the AXIN2 protein (p.Gln188Arg). This variant is present in population databases (rs149000772, gnomAD 0.009%). This variant has not been reported in the literature in individuals affected with AXIN2-related conditions. ClinVar contains an entry for this variant (Variation ID: 234443). Invitae Evidence Modeling of protein sequence and biophysical properties (such as structural, functional, and spatial information, amino acid conservation, physicochemical variation, residue mobility, and thermodynamic stability) indicates that this missense variant is not expected to disrupt AXIN2 protein function with a negative predictive value of 80%. In summary, the available evidence is currently insufficient to determine the role of this variant in disease. Therefore, it has been classified as a Variant of Uncertain Significance.

Quest Diagnostics Nichols Institute San Juan Capistrano
Classification: Uncertain significance. Last evaluated: 2024-11-29. Review status: criteria provided, single submitter. Criteria: Quest Diagnostics criteria. Collection method: clinical testing. Allele origin: unknown.
Comment: The AXIN2 c.563A>G (p.Gln188Arg) variant has not been reported in individuals with AXIN2-related conditions in the published literature. The frequency of this variant in the general population, 0.000093 (12/129186 chromosomes (Genome Aggregation Database)), is uninformative in the assessment of its pathogenicity. Analysis of this variant using bioinformatics tools for the prediction of the effect of amino acid changes on protein structure and function yielded predictions that this variant is benign. Based on the available information, we are unable to determine the clinical significance of this variant.

GeneDx
Classification: Uncertain significance. Last evaluated: 2024-09-30. Review status: criteria provided, single submitter. Criteria: GeneDx Variant Classification Process June 2021. Collection method: clinical testing. Allele origin: germline. Affected: yes.
Comment: In silico analysis indicates that this missense variant does not alter protein structure/function; Has not been previously published as pathogenic or benign to our knowledge; This variant is associated with the following publications: (PMID: 15735151)

Ambry Genetics
Classification: Likely benign for Hereditary cancer-predisposing syndrome. Last evaluated: 2023-06-01. Review status: criteria provided, single submitter. Criteria: Ambry Variant Classification Scheme 2023. Collection method: clinical testing. Allele origin: germline.

ARUP Laboratories, Molecular Genetics and Genomics, ARUP Laboratories
Classification: Uncertain significance. Last evaluated: 2020-08-21. Review status: criteria provided, single submitter. Criteria: ARUP Molecular Germline Variant Investigation Process. Collection method: clinical testing. Allele origin: germline.
Comment: The AXIN2 c.563A>G; p.Gln188Arg variant (rs149000772), to our knowledge, is not reported in the medical literature or gene-specific databases. The variant is reported in the ClinVar database (Variation ID: 234443) and is listed in the general population with an overall allele frequency of 0.005% (13/282,870 alleles) in the Genome Aggregation Database. The glutamine at codon 188 is highly conserved computational analyses (SIFT, PolyPhen-2) predict that this variant is tolerated. Due to limited information, the clinical significance of the p.Gln188Arg variant is uncertain at this time.

Literature cited by the submitters: PubMed 28569743 (cited by Quest Diagnostics Nichols Institute San Juan Capistrano).

NM_004655.4(AXIN2):c.563A>G (p.Gln188Arg)

Gene: AXIN2 (axin 2; minus strand). Cytogenetic location: 17q24.1.
Variant type: single nucleotide variant.
Coding change: c.563A>G on transcript NM_004655.4 (MANE Select); coding-DNA position 563, A replaced by G.
Protein change: p.Gln188Arg; replaces glutamine 188 with arginine.
Molecular consequence: missense variant.
Genome position (GRCh38, 1-based): chr17:65,558,058, T>C on the plus strand (A>G on the coding strand, the complement: AXIN2 is on the minus strand). VCF-style: chr17-65558058-T-C. GRCh37 (hg19) VCF-style: chr17-63554176-T-C.
Other names: c.563A>G (LRG_296t1); c.563A>G, p.Gln188Arg (NM_001363813.1); short protein forms Q188R.
Identifiers: ClinVar variation 234443 (VCV000234443.31), dbSNP rs149000772, ClinGen allele CA8719034.
Genomic context (GRCh38, chr17:65,558,058, plus strand): 5'-GCTGTGTTTTCTCCCCCACTCCTCACATATTCGAGGTATATATCAGAAGTCAAAAACATC[T>C]GGTAGGCATTTTCCTCCATCACCGACTGGATCTCGGTCTGCGCCTGGTCAAACATGATGG-3'
Protein context (NP_004646.3, residues 178-198): IQSVMEENAY[Gln188Arg]MFLTSDIYLE